The following is an entry in ClinVar:

ClinVar aggregate classification (germline): Likely pathogenic (1 of 4 stars; one submission).

Conditions:
Hereditary spastic paraplegia 11. Also called: Autosomal recessive hereditary spastic paraplegia, mental impairment, and thin corpus callosum; SPASTIC PARAPLEGIA, AUTOSOMAL RECESSIVE, COMPLICATED, WITH THIN CORPUS CALLOSUM; SPASTIC PARAPLEGIA, AUTOSOMAL RECESSIVE, WITH MENTAL IMPAIRMENT AND THIN CORPUS CALLOSUM; Spastic paraplegia, mental retardation and thin corpus callosum; Spastic Paraplegia 11; Nakamura Osame syndrome. Identifiers: Orphanet 2822, MedGen C1858479, MONDO:0011445, OMIM 604360.

Allele frequency attached by ClinVar (database versions not stated): gnomAD exomes below 0.00001.
gnomAD v4.1: 1 of 1,613,580 alleles (0.000062%); highest among the groups gnomAD compares: Non-Finnish European, 0.000085%; no homozygotes.

Submission:

Labcorp Genetics (formerly Invitae), Labcorp
Classification: Likely pathogenic for Hereditary spastic paraplegia 11. Last evaluated: 2023-10-29. Review status: criteria provided, single submitter. Criteria: Invitae Variant Classification Sherloc (09022015). Collection method: clinical testing. Allele origin: germline.
Comment: This sequence change affects an acceptor splice site in intron 37 of the SPG11 gene. It is expected to disrupt RNA splicing. Variants that disrupt the donor or acceptor splice site typically lead to a loss of protein function (PMID: 16199547), and loss-of-function variants in SPG11 are known to be pathogenic (PMID: 19105190, 20110243, 22154821, 26556829). This variant is not present in population databases (gnomAD no frequency). Disruption of this splice site has been observed in individual(s) with hereditary spastic paraplegia (PMID: 23733235). ClinVar contains an entry for this variant (Variation ID: 1479846). Algorithms developed to predict the effect of sequence changes on RNA splicing suggest that this variant may disrupt the consensus splice site. In summary, the currently available evidence indicates that the variant is pathogenic, but additional data are needed to prove that conclusively. Therefore, this variant has been classified as Likely Pathogenic.

Literature cited by the submitters: PubMed 16199547; PubMed 19105190; PubMed 20110243; PubMed 22154821; PubMed 26556829; PubMed 23733235.

NM_025137.4(SPG11):c.6844-2A>G

Gene: SPG11 (SPG11 vesicle trafficking associated, spatacsin; minus strand). Cytogenetic location: 15q21.1.
Variant type: single nucleotide variant.
Coding change: c.6844-2A>G on transcript NM_025137.4 (MANE Select); the canonical splice acceptor site of the intron before coding-DNA position 6844, A replaced by G.
Molecular consequence: splice acceptor variant.
Genome position (GRCh38, 1-based): chr15:44,566,011, T>C on the plus strand (A>G on the coding strand, the complement: SPG11 is on the minus strand). VCF-style: chr15-44566011-T-C. GRCh37 (hg19) VCF-style: chr15-44858209-T-C.
Other names: c.6700-2A>G (NM_001411132.1); c.6505-2A>G (NM_001160227.2).
Identifiers: ClinVar variation 1479846 (VCV001479846.6), dbSNP rs2140913822, ClinGen allele CA392213494.